The following is an entry in ClinVar:

NM_020442.6(VARS2):c.3033C>T (p.Asp1011=)

Gene: VARS2 (valyl-tRNA synthetase 2, mitochondrial; plus strand). Cytogenetic location: 6p21.33.
Variant type: single nucleotide variant.
Coding change: c.3033C>T on transcript NM_020442.6 (MANE Select); coding-DNA position 3033, C replaced by T.
Protein change: p.Asp1011=; no amino-acid change (aspartic acid 1011 retained).
Molecular consequence: synonymous variant.
Genome position (GRCh38, 1-based): chr6:30,925,951, C>T. VCF-style: chr6-30925951-C-T. GRCh37 (hg19) VCF-style: chr6-30893728-C-T.
Other names: c.2613C>T, p.Asp871= (NM_001167733.3); c.3123C>T, p.Asp1041= (NM_001167734.2).
Identifiers: ClinVar variation 380163 (VCV000380163.17), dbSNP rs1043483, ClinGen allele CA3706436.

ClinVar aggregate classification (germline): Benign. Review status: criteria provided, multiple submitters, no conflicts (2 of 4 stars). 6 submissions from 6 submitters: Benign (5). 1 of the submissions does not count toward it. Last evaluated 2026-02-03.

Conditions:
Combined oxidative phosphorylation defect type 20. Also called: Combined oxidative phosphorylation deficiency 20. Identifiers: Orphanet 420728, MedGen C4014660, MONDO:0014397, OMIM 615917.

Allele frequency attached by ClinVar (database versions not stated): ESP Exome Variant Server 0.65303; TOPMed 0.65563; gnomAD 0.66272 and 0.67337; 1000 Genomes Project 30x 0.69738; 1000 Genomes Project 0.70787; gnomAD exomes 0.73569 and 0.75332; ExAC 0.75301.
gnomAD v4.1: 1,176,740 of 1,612,818 alleles (73%); highest among the groups gnomAD compares: South Asian, 86%; 433,575 homozygotes.

Submissions (6):

Labcorp Genetics (formerly Invitae), Labcorp
Classification: Benign. Last evaluated: 2026-02-03. Review status: criteria provided, single submitter. Criteria: Invitae Variant Classification Sherloc (09022015). Collection method: clinical testing. Allele origin: germline.

Blueprint Genetics
Classification: Benign. Last evaluated: 2024-11-27. Review status: criteria provided, single submitter. Criteria: ACMG Guidelines, 2015. Collection method: clinical testing. Allele origin: germline.

Unidad de Genómica Garrahan, Hospital de Pediatría Garrahan
Classification: Benign. Last evaluated: 2024-07-31. Review status: criteria provided, single submitter. Criteria: ACMG Guidelines, 2015. Collection method: clinical testing. Allele origin: germline. Affected: no. Observed: 88 variant alleles.
Comment: This variant is classified as Benign based on local population frequency. This variant was detected in 95% of patients studied in a panel designed for Epileptic and Developmental Encephalopathy, Progressive Myoclonus Epilepsy and Abnormal Movements and Neurodegeneration with brain iron accumulation. Number of patients: 88. Only high quality variants are reported.

Genome-Nilou Lab
Classification: Benign for Combined oxidative phosphorylation defect type 20. Last evaluated: 2021-12-05. Review status: criteria provided, single submitter. Criteria: ACMG Guidelines, 2015. Collection method: clinical testing. Allele origin: germline. Affected: no.

GeneDx
Classification: Benign. Last evaluated: 2015-12-22. Review status: criteria provided, single submitter. Criteria: GeneDx Variant Classification (06012015). Collection method: clinical testing. Allele origin: germline. Affected: yes.
Comment: This variant is considered likely benign or benign based on one or more of the following criteria: it is a conservative change, it occurs at a poorly conserved position in the protein, it is predicted to be benign by multiple in silico algorithms, and/or has population frequency not consistent with disease.

Mayo Clinic Laboratories, Mayo Clinic
Classification: Benign. Last evaluated: 2016-02-19. Review status: no assertion criteria provided. Collection method: clinical testing. Allele origin: unknown. Not counted in ClinVar's aggregate classification.